The following is an entry in ClinVar:

ClinVar aggregate classification (germline): Uncertain significance (1 of 4 stars; one submission).

gnomAD v4.1: 2 of 1,612,576 alleles (0.00012%); highest among the groups gnomAD compares: Middle Eastern, 0.033%; no homozygotes.

Submission:

Labcorp Genetics (formerly Invitae), Labcorp
Classification: Uncertain significance. Last evaluated: 2022-07-30. Review status: criteria provided, single submitter. Criteria: Invitae Variant Classification Sherloc (09022015). Collection method: clinical testing. Allele origin: germline.
Comment: In summary, the available evidence is currently insufficient to determine the role of this variant in disease. Therefore, it has been classified as a Variant of Uncertain Significance. Algorithms developed to predict the effect of missense changes on protein structure and function (SIFT, PolyPhen-2, Align-GVGD) all suggest that this variant is likely to be tolerated. This variant has not been reported in the literature in individuals affected with MOCS2B-related conditions. This variant is not present in population databases (gnomAD no frequency). This sequence change replaces threonine, which is neutral and polar, with serine, which is neutral and polar, at codon 50 of the MOCS2B protein (p.Thr50Ser).

NM_004531.5(MOCS2):c.149C>G (p.Thr50Ser)

Gene: MOCS2 (molybdenum cofactor synthesis 2; minus strand). Cytogenetic location: 5q11.2.
Variant type: single nucleotide variant.
Coding change: c.149C>G on transcript NM_004531.5 (MANE Select); coding-DNA position 149, C replaced by G.
Protein change: p.Thr50Ser; replaces threonine 50 with serine.
Molecular consequence: missense variant. On other transcripts: 3 prime UTR variant (1).
Genome position (GRCh38, 1-based): chr5:53,102,174, G>C on the plus strand (C>G on the coding strand, the complement: MOCS2 is on the minus strand). VCF-style: chr5-53102174-G-C. GRCh37 (hg19) VCF-style: chr5-52398004-G-C.
Other names: c.*69C>G (NM_176806.4); c.149C>G, p.Thr50Ser (NM_183418.1); short protein forms T50S.
Identifiers: ClinVar variation 2179472 (VCV002179472.4), dbSNP rs2478601517, ClinGen allele CA359693485.